The following is an entry in ClinVar:

NM_000090.4(COL3A1):c.3364-4C>A

Gene: COL3A1 (collagen type III alpha 1 chain; plus strand). Cytogenetic location: 2q32.2.
Variant type: single nucleotide variant.
Coding change: c.3364-4C>A on transcript NM_000090.4 (MANE Select); 4 bases into the intron before coding-DNA position 3364, C replaced by A.
Molecular consequence: intron variant.
Genome position (GRCh38, 1-based): chr2:189,007,881, C>A. VCF-style: chr2-189007881-C-A. GRCh37 (hg19) VCF-style: chr2-189872607-C-A.
Identifiers: ClinVar variation 3386485 (VCV003386485.1).

ClinVar aggregate classification (germline): Likely benign (1 of 4 stars; one submission).

Conditions:
Ehlers-Danlos syndrome, type 4 (EDSVASC). Also called: Ehlers-Danlos syndrome vascular type; Ehlers Danlos syndrome, ecchymotic type; Ehlers Danlos syndrome, arterial type; Ehlers Danlos syndrome, Sack-Barabas type; Ehlers-Danlos Syndrome Type IV. Identifiers: Orphanet 286, MedGen C0268338, MONDO:0017314, OMIM 130050.

Submission:

All of Us Research Program, National Institutes of Health
Classification: Likely benign for Ehlers-Danlos syndrome, type 4. Last evaluated: 2024-03-24. Review status: criteria provided, single submitter. Criteria: ACMG Guidelines, 2015. Collection method: clinical testing. Allele origin: germline. Inheritance: Autosomal dominant inheritance. Observed: 1 variant allele, 1 heterozygote.
Comment: This study involves interpretation of variants in research participants for the purpose of population health screening. Participant phenotype was not available at the time of variant classification. Additional details can be found in publication PMID: 35346344, PMCID: PMC8962531